The following is an entry in ClinVar:

NM_001378418.1(TCF20):c.5380G>A (p.Asp1794Asn)

Gene: TCF20 (transcription factor 20; minus strand). Cytogenetic location: 22q13.2.
Variant type: single nucleotide variant.
Coding change: c.5380G>A on transcript NM_001378418.1 (MANE Select); coding-DNA position 5380, G replaced by A.
Protein change: p.Asp1794Asn; replaces aspartic acid 1794 with asparagine.
Molecular consequence: missense variant.
Genome position (GRCh38, 1-based): chr22:42,209,926, C>T on the plus strand (G>A on the coding strand, the complement: TCF20 is on the minus strand). VCF-style: chr22-42209926-C-T. GRCh37 (hg19) VCF-style: chr22-42605932-C-T.
Other names: c.5380G>A, p.Asp1794Asn (NM_005650.4, NM_181492.3); short protein forms D1794N.
Identifiers: ClinVar variation 4075687 (VCV004075687.1).

ClinVar aggregate classification (germline): Uncertain significance (1 of 4 stars; one submission).

Submission:

GeneDx
Classification: Uncertain significance. Last evaluated: 2025-02-13. Review status: criteria provided, single submitter. Criteria: GeneDx Variant Classification Process June 2021. Collection method: clinical testing. Allele origin: germline. Affected: yes.
Comment: Not observed at significant frequency in large population cohorts (gnomAD); In silico analysis indicates that this missense variant does not alter protein structure/function; Has not been previously published as pathogenic or benign to our knowledge